The following is an entry in ClinVar:

ClinVar aggregate classification (germline): Uncertain significance (1 of 4 stars; one submission).

Conditions:
Primary ciliary dyskinesia. Also called: Ciliary dyskinesia. Identifiers: Orphanet 244, MedGen C0008780, MONDO:0016575, HP:0012265.

Submission:

Labcorp Genetics (formerly Invitae), Labcorp
Classification: Uncertain significance for Primary ciliary dyskinesia. Last evaluated: 2024-06-25. Review status: criteria provided, single submitter. Criteria: Invitae Variant Classification Sherloc (09022015). Collection method: clinical testing. Allele origin: germline.
Comment: This sequence change replaces glutamic acid, which is acidic and polar, with glutamine, which is neutral and polar, at codon 496 of the DNAAF2 protein (p.Glu496Gln). Information on the frequency of this variant in the gnomAD database is not available, as this variant may be reported differently in the database. This variant has not been reported in the literature in individuals affected with DNAAF2-related conditions. Experimental studies and prediction algorithms are not available or were not evaluated, and the functional significance of this variant is currently unknown. In summary, the available evidence is currently insufficient to determine the role of this variant in disease. Therefore, it has been classified as a Variant of Uncertain Significance.

NM_018139.3(DNAAF2):c.1485_1486delinsTC (p.Glu496Gln)

Gene: DNAAF2 (dynein axonemal assembly factor 2; minus strand). Cytogenetic location: 14q21.3.
Variant type: Indel.
Coding change: c.1485_1486delinsTC on transcript NM_018139.3 (MANE Select); coding-DNA positions 1485 to 1486, CG replaced by TC.
Protein change: p.Glu496Gln; replaces glutamic acid 496 with glutamine.
Molecular consequence: missense variant. On other transcripts: 5 prime UTR variant (1).
Genome position (GRCh38, 1-based): chr14:49,633,664-49,633,665, CG replaced by GA on the plus strand (CG replaced by TC on the coding strand, the reverse complement: DNAAF2 is on the minus strand). VCF-style: chr14-49633664-CG-GA. GRCh37 (hg19) VCF-style: chr14-50100382-CG-GA.
Other names: c.1485_1486delinsTC, p.Glu496Gln (NM_001083908.2); c.-387_-386delinsTC (NM_001378453.1); short protein forms E496Q.
Identifiers: ClinVar variation 3624400 (VCV003624400.1).